The following is an entry in ClinVar:

NM_005751.5(AKAP9):c.10664A>T (p.Asp3555Val)

Gene: AKAP9 (A-kinase anchoring protein 9; plus strand). Cytogenetic location: 7q21.2.
Variant type: single nucleotide variant.
Coding change: c.10664A>T on transcript NM_005751.5 (MANE Select); coding-DNA position 10664, A replaced by T.
Protein change: p.Asp3555Val; replaces aspartic acid 3555 with valine.
Molecular consequence: missense variant.
Genome position (GRCh38, 1-based): chr7:92,098,165, A>T. VCF-style: chr7-92098165-A-T. GRCh37 (hg19) VCF-style: chr7-91727479-A-T.
Other names: p.D3555V:GAT>GTT; c.5309A>T, p.Asp1770Val (NM_001379277.1); c.10640A>T, p.Asp3547Val (NM_147185.3); short protein forms D3555V, D3547V, D1770V.
Identifiers: ClinVar variation 190514 (VCV000190514.34), dbSNP rs139046510, ClinGen allele CA235649.

ClinVar aggregate classification (germline): Conflicting classifications of pathogenicity. Review status: criteria provided, conflicting classifications (1 of 4 stars). 11 submissions from 11 submitters: Uncertain significance (1); Likely benign (7). 3 of the submissions do not count toward it. Last evaluated 2026-01-12.

Conditions:
Cardiovascular phenotype. Identifiers: MedGen CN230736.
Long QT syndrome (LQTS). Identifiers: MedGen C0023976, MeSH D008133, MONDO:0002442. Disease mechanism: loss of function. Inheritance: Various modes of inheritance.
Long QT syndrome 11 (LQT11). Identifiers: Orphanet 101016, Orphanet 768, MedGen C2678483, MONDO:0012738, OMIM 611820.

Allele frequency attached by ClinVar (database versions not stated): 1000 Genomes Project 0.00060; 1000 Genomes Project 30x 0.00078; ESP Exome Variant Server 0.00085; ExAC 0.00087; gnomAD 0.00088 and 0.00089; gnomAD exomes 0.00094 and 0.00120; TOPMed 0.00106.
gnomAD v4.1: 1,883 of 1,612,836 alleles (0.12%); highest among the groups gnomAD compares: Non-Finnish European, 0.14%; 1 homozygote.

Submissions (11):

Labcorp Genetics (formerly Invitae), Labcorp
Classification: Likely benign for Long QT syndrome. Last evaluated: 2026-01-12. Review status: criteria provided, single submitter. Criteria: Invitae Variant Classification Sherloc (09022015). Collection method: clinical testing. Allele origin: germline.

Blueprint Genetics
Classification: Likely benign. Last evaluated: 2024-11-26. Review status: criteria provided, single submitter. Criteria: ACMG Guidelines, 2015. Collection method: clinical testing. Allele origin: germline.

Dept of Medical Biology, Uskudar University
Classification: Uncertain significance for Long QT syndrome. Last evaluated: 2024-01-08. Review status: criteria provided, single submitter. Criteria: Dept of Medical Biology Variant Classification. Collection method: research. Allele origin: paternal. Affected: yes. Observed: 1 variant allele.
Comment: Criteria: BS1, PP3

Women's Health and Genetics/Laboratory Corporation of America, LabCorp
Classification: Likely benign. Last evaluated: 2021-06-01. Review status: criteria provided, single submitter. Criteria: LabCorp Variant Classification Summary - May 2015. Collection method: clinical testing. Allele origin: germline.
Comment: Variant summary: AKAP9 c.10664A>T (p.Asp3555Val) results in a non-conservative amino acid change in the encoded protein sequence. Four of five in-silico tools predict a damaging effect of the variant on protein function. The variant allele was found at a frequency of 0.00094 in 250928 control chromosomes. The observed variant frequency is approximately 283 fold of the estimated maximal expected allele frequency for a pathogenic variant in AKAP9 causing Long QT Syndrome phenotype (3.3e-06), strongly suggesting that the variant is benign. c.10664A>T has been reported in the literature as a VUS in sequencing studies of individuals affected with diseases of cardiovascular/metabolic etiology (example, Neubauer_2017). These report(s) do not provide unequivocal conclusions about association of the variant with Long QT Syndrome. At-least one co-occurrence with another pathogenic variant has been observed at our laboratory (PKP2 c.2489+1G>A), providing supporting evidence for a benign role. To our knowledge, no experimental evidence demonstrating an impact on protein function has been reported. Four clinical diagnostic laboratories have submitted clinical-significance assessments for this variant to ClinVar after 2014 without evidence for independent evaluation (likely benign, n=3; VUS, n=1). Based on the evidence outlined above, the variant was classified as likely benign.

Ambry Genetics
Classification: Likely benign for Cardiovascular phenotype. Last evaluated: 2019-05-06. Review status: criteria provided, single submitter. Criteria: Ambry Variant Classification Scheme 2023. Collection method: clinical testing. Allele origin: germline.

Genome Diagnostics Laboratory, University Medical Center Utrecht
Classification: Likely benign for Long QT syndrome 11. Last evaluated: 2016-01-18. Review status: criteria provided, single submitter. Criteria: ACGS Guidelines, 2013. Collection method: clinical testing. Allele origin: germline. Affected: yes. Study: VKGL Data-share Consensus.

Biesecker Lab/Clinical Genomics Section, National Institutes of Health
Classification: Likely benign. Last evaluated: 2013-06-24. Review status: criteria provided, single submitter. Criteria: Ng et al. (Circ Cardiovasc Genet. 2013). Collection method: research. Allele origin: unknown. Observed: 3 variant alleles. Study: ClinSeq.
Comment: The study set was not selected for affection status in relation to any cancer. Pathogenicity categories were based on literature curation. See Pubmed ID:23861362 for details.

Medical sequencing

GeneDx
Classification: Likely benign. Last evaluated: 2012-03-05. Review status: criteria provided, single submitter. Criteria: GeneDx Variant Classification (06012015). Collection method: clinical testing. Allele origin: germline. Affected: yes.
Comment: This variant is considered likely benign or benign based on one or more of the following criteria: it is a conservative change, it occurs at a poorly conserved position in the protein, it is predicted to be benign by multiple in silico algorithms, and/or has population frequency not consistent with disease.

Clinical Genetics DNA and cytogenetics Diagnostics Lab, Erasmus MC, Erasmus Medical Center
Classification: Likely benign. Review status: no assertion criteria provided. Collection method: clinical testing. Allele origin: germline. Affected: yes. Study: VKGL Data-share Consensus. Not counted in ClinVar's aggregate classification.

Clinical Genetics, Academic Medical Center
Classification: Likely benign. Review status: no assertion criteria provided. Collection method: clinical testing. Allele origin: germline. Affected: yes. Study: VKGL Data-share Consensus. Not counted in ClinVar's aggregate classification.

Joint Genome Diagnostic Labs from Nijmegen and Maastricht, Radboudumc and MUMC+
Classification: Benign. Review status: no assertion criteria provided. Collection method: clinical testing. Allele origin: germline. Affected: yes. Study: VKGL Data-share Consensus. Not counted in ClinVar's aggregate classification.

Literature cited by the submitters: PubMed 28074886 (cited by Women's Health and Genetics/Laboratory Corporation of America, LabCorp); PubMed 23861362 (cited by Ambry Genetics).